The following is an entry in ClinVar:

ClinVar aggregate classification (germline): Uncertain significance (1 of 4 stars; one submission).

Conditions:
Cardiovascular phenotype. Identifiers: MedGen CN230736.

Allele frequency attached by ClinVar (database versions not stated): TOPMed 0.00001.

Submission:

Ambry Genetics
Classification: Uncertain significance for Cardiovascular phenotype. Last evaluated: 2023-01-16. Review status: criteria provided, single submitter. Criteria: Ambry Variant Classification Scheme 2023. Collection method: clinical testing. Allele origin: germline.
Comment: The p.F108L variant (also known as c.324C>A), located in coding exon 3 of the PRKAG2 gene, results from a C to A substitution at nucleotide position 324. The phenylalanine at codon 108 is replaced by leucine, an amino acid with highly similar properties. This amino acid position is conserved. In addition, the in silico prediction for this alteration is inconclusive. Since supporting evidence is limited at this time, the clinical significance of this alteration remains unclear.

NM_016203.4(PRKAG2):c.324C>A (p.Phe108Leu)

Gene: PRKAG2 (protein kinase AMP-activated non-catalytic subunit gamma 2; minus strand). Cytogenetic location: 7q36.1.
Variant type: single nucleotide variant.
Coding change: c.324C>A on transcript NM_016203.4 (MANE Select); coding-DNA position 324, C replaced by A.
Protein change: p.Phe108Leu; replaces phenylalanine 108 with leucine.
Molecular consequence: missense variant. On other transcripts: intron variant (1).
Genome position (GRCh38, 1-based): chr7:151,781,294, G>T on the plus strand (C>A on the coding strand, the complement: PRKAG2 is on the minus strand). VCF-style: chr7-151781294-G-T. GRCh37 (hg19) VCF-style: chr7-151478380-G-T.
Other names: c.192C>A, p.Phe64Leu (NM_001040633.2, NM_001407024.1, NM_001407026.1 and 2 more transcripts); c.324C>A, p.Phe108Leu (NM_001407021.1, NM_001407022.1, NM_001407023.1 and 2 more transcripts); c.148+33122C>A (NM_001407032.1); short protein forms F108L, F64L.
Identifiers: ClinVar variation 2452944 (VCV002452944.2), dbSNP rs2076654819, ClinGen allele CA370069672.